The following is an entry in ClinVar:

NM_001363711.2(DUOX2):c.4165G>A (p.Val1389Ile)

Gene: DUOX2 (dual oxidase 2; minus strand). Cytogenetic location: 15q21.1.
Variant type: single nucleotide variant.
Coding change: c.4165G>A on transcript NM_001363711.2 (MANE Select); coding-DNA position 4165, G replaced by A.
Protein change: p.Val1389Ile; replaces valine 1389 with isoleucine.
Molecular consequence: missense variant.
Genome position (GRCh38, 1-based): chr15:45,095,511, C>T on the plus strand (G>A on the coding strand, the complement: DUOX2 is on the minus strand). VCF-style: chr15-45095511-C-T. GRCh37 (hg19) VCF-style: chr15-45387709-C-T.
Other names: c.4165G>A, p.Val1389Ile (NM_014080.5); short protein forms V1389I.
Identifiers: ClinVar variation 4769975 (VCV004769975.1).
Genomic context (GRCh38, chr15:45,095,511, plus strand): 5'-TTTGGCTGCCCAAGGATGACTTGAAGACCAGGTCTTTGAGGATGGAGGCAAAGGGGGTGA[C>T]CCCAATGCCCCCTCCCACCAACACTGACACCTCAAATTTATGCCACTCCTGATGGCCCTC-3'
Protein context (NP_001350640.1, residues 1379-1399): VSVLVGGGIG[Val1389Ile]TPFASILKDL

ClinVar aggregate classification (germline): Uncertain significance (1 of 4 stars; one submission).

gnomAD v4.1: 3 of 1,614,192 alleles (0.00019%); highest among the groups gnomAD compares: Non-Finnish European, 0.00025%; no homozygotes.

Submission:

Labcorp Genetics (formerly Invitae), Labcorp
Classification: Uncertain significance. Last evaluated: 2025-06-11. Review status: criteria provided, single submitter. Criteria: Invitae Variant Classification Sherloc (09022015). Collection method: clinical testing. Allele origin: germline.
Comment: This sequence change replaces valine, which is neutral and non-polar, with isoleucine, which is neutral and non-polar, at codon 1389 of the DUOX2 protein (p.Val1389Ile). This variant is present in population databases (no rsID available, gnomAD 0.0009%). This variant has not been reported in the literature in individuals affected with DUOX2-related conditions. Invitae Evidence Modeling of protein sequence and biophysical properties (such as structural, functional, and spatial information, amino acid conservation, physicochemical variation, residue mobility, and thermodynamic stability) has been performed for this missense variant. However, the output from this modeling did not meet the statistical confidence thresholds required to predict the impact of this variant on DUOX2 protein function. In summary, the available evidence is currently insufficient to determine the role of this variant in disease. Therefore, it has been classified as a Variant of Uncertain Significance.